The following is an entry in ClinVar:

NM_000211.5(ITGB2):c.814G>A (p.Asp272Asn)

Gene: ITGB2 (integrin subunit beta 2; minus strand). Cytogenetic location: 21q22.3.
Variant type: single nucleotide variant.
Coding change: c.814G>A on transcript NM_000211.5 (MANE Select); coding-DNA position 814, G replaced by A.
Protein change: p.Asp272Asn; replaces aspartic acid 272 with asparagine.
Molecular consequence: missense variant.
Genome position (GRCh38, 1-based): chr21:44,900,403, C>T on the plus strand (G>A on the coding strand, the complement: ITGB2 is on the minus strand). VCF-style: chr21-44900403-C-T. GRCh37 (hg19) VCF-style: chr21-46320318-C-T.
Other names: c.814G>A, p.Asp272Asn (NM_001127491.3); c.607G>A, p.Asp203Asn (NM_001303238.2); c.814G>A (NM_000211.3); short protein forms D203N, D272N.
Identifiers: ClinVar variation 1499158 (VCV001499158.8), dbSNP rs749335770, ClinGen allele CA10063053.

ClinVar aggregate classification (germline): Uncertain significance. Review status: criteria provided, multiple submitters, no conflicts (2 of 4 stars). 3 submissions from 3 submitters: Uncertain significance (3). Last evaluated 2022-03-23.

Conditions:
Inborn genetic diseases. Identifiers: MedGen C0950123, MeSH D030342.
Leukocyte adhesion deficiency 1 (LAD1). Also called: LEUKOCYTE ADHESION DEFICIENCY, TYPE I; LAD 1; Lymphocyte function-associated antigen 1 immunodeficiency; LFA 1 immunodeficiency. Identifiers: Orphanet 2968, Orphanet 99842, MedGen C0398738, MONDO:0007293, OMIM 116920.

Allele frequency attached by ClinVar (database versions not stated): ExAC 0.00001; gnomAD 0.00001; gnomAD exomes 0.00002 and 0.00003; TOPMed 0.00002.
gnomAD v4.1: 48 of 1,613,968 alleles (0.003%); highest among the groups gnomAD compares: African/African-American, 0.004%; no homozygotes.

Submissions (3):

Ambry Genetics
Classification: Uncertain significance for Inborn genetic diseases. Last evaluated: 2022-03-23. Review status: criteria provided, single submitter. Criteria: Ambry Variant Classification Scheme 2023. Collection method: clinical testing. Allele origin: germline.

Laboratorio de Genetica e Diagnostico Molecular, Hospital Israelita Albert Einstein
Classification: Uncertain significance for Leukocyte adhesion deficiency 1. Last evaluated: 2022-02-08. Review status: criteria provided, single submitter. Criteria: ACMG Guidelines, 2015. Collection method: clinical testing. Allele origin: germline. Affected: yes.
Comment: ACMG classification criteria: PM2 moderate, PM3 supporting, PP3 supporting

Labcorp Genetics (formerly Invitae), Labcorp
Classification: Uncertain significance for Leukocyte adhesion deficiency 1. Last evaluated: 2021-09-24. Review status: criteria provided, single submitter. Criteria: Invitae Variant Classification Sherloc (09022015). Collection method: clinical testing. Allele origin: germline.
Comment: This sequence change replaces aspartic acid with asparagine at codon 272 of the ITGB2 protein (p.Asp272Asn). The aspartic acid residue is highly conserved and there is a small physicochemical difference between aspartic acid and asparagine. This variant is present in population databases (rs749335770, ExAC 0.01%). This variant has not been reported in the literature in individuals with ITGB2-related conditions. Algorithms developed to predict the effect of missense changes on protein structure and function are either unavailable or do not agree on the potential impact of this missense change (SIFT: "Deleterious"; PolyPhen-2: "Probably Damaging"; Align-GVGD: "Class C15"). In summary, the available evidence is currently insufficient to determine the role of this variant in disease. Therefore, it has been classified as a Variant of Uncertain Significance.